The following is an entry in ClinVar:

NM_022489.4(INF2):c.2204G>A (p.Arg735Gln)

Gene: INF2 (inverted formin 2; plus strand). Cytogenetic location: 14q32.33.
Variant type: single nucleotide variant.
Coding change: c.2204G>A on transcript NM_022489.4 (MANE Select); coding-DNA position 2204, G replaced by A.
Protein change: p.Arg735Gln; replaces arginine 735 with glutamine.
Molecular consequence: missense variant.
Genome position (GRCh38, 1-based): chr14:104,710,153, G>A. VCF-style: chr14-104710153-G-A. GRCh37 (hg19) VCF-style: chr14-105176490-G-A.
Other names: c.2204G>A, p.Arg735Gln (NM_001031714.4); short protein forms R735Q.
Identifiers: ClinVar variation 843246 (VCV000843246.11), dbSNP rs375390523, ClinGen allele CA7372859.

ClinVar aggregate classification (germline): Conflicting classifications of pathogenicity. Review status: criteria provided, conflicting classifications (1 of 4 stars). 4 submissions from 4 submitters: Uncertain significance (2); Likely benign (2). Last evaluated 2025-10-27.

Conditions:
INF2-related disorder. Also called: INF2-related condition.
Inborn genetic diseases. Identifiers: MedGen C0950123, MeSH D030342.
Charcot-Marie-Tooth disease dominant intermediate E. Also called: CHARCOT-MARIE-TOOTH NEUROPATHY WITH FOCAL SEGMENTAL GLOMERULONEPHRITIS. Identifiers: Orphanet 93114, MedGen C4302667, MONDO:0013758, OMIM 614455.
Focal segmental glomerulosclerosis 5 (FSGS5). Identifiers: Orphanet 656, MedGen C2750475, MONDO:0013191, OMIM 613237.

Allele frequency attached by ClinVar (database versions not stated): gnomAD exomes 0.00003; gnomAD 0.00004; ESP Exome Variant Server 0.00008; TOPMed 0.00008; ExAC 0.00015.
gnomAD v4.1: 40 of 1,552,068 alleles (0.0026%); highest among the groups gnomAD compares: Middle Eastern, 0.035%; no homozygotes.

Submissions (4):

Labcorp Genetics (formerly Invitae), Labcorp
Classification: Likely benign for Charcot-Marie-Tooth disease dominant intermediate E; Focal segmental glomerulosclerosis 5. Last evaluated: 2025-10-27. Review status: criteria provided, single submitter. Criteria: Invitae Variant Classification Sherloc (09022015). Collection method: clinical testing. Allele origin: germline.

PreventionGenetics, part of Exact Sciences
Classification: Uncertain significance for INF2-related condition. Last evaluated: 2025-08-15. Review status: criteria provided, single submitter. Criteria: ACMG Guidelines, 2015. Collection method: clinical testing. Allele origin: germline.
Comment: The INF2 c.2204G>A variant is predicted to result in the amino acid substitution p.Arg735Gln. To our knowledge, this variant has not been reported in the literature. This variant is reported in 0.0060% of alleles in individuals of African descent in gnomAD. At this time, the clinical significance of this variant is uncertain due to the absence of conclusive functional and genetic evidence.

Ambry Genetics
Classification: Uncertain significance for Inborn genetic diseases. Last evaluated: 2024-07-14. Review status: criteria provided, single submitter. Criteria: Ambry Variant Classification Scheme 2023. Collection method: clinical testing. Allele origin: germline.

Fulgent Genetics
Classification: Likely benign for Focal segmental glomerulosclerosis 5; Charcot-Marie-Tooth disease dominant intermediate E. Last evaluated: 2024-04-12. Review status: criteria provided, single submitter. Criteria: ACMG Guidelines, 2015. Collection method: clinical testing. Allele origin: germline.